The following is an entry in ClinVar:

NM_005751.5(AKAP9):c.2480A>G (p.Glu827Gly)

Gene: AKAP9 (A-kinase anchoring protein 9; plus strand). Cytogenetic location: 7q21.2.
Variant type: single nucleotide variant.
Coding change: c.2480A>G on transcript NM_005751.5 (MANE Select); coding-DNA position 2480, A replaced by G.
Protein change: p.Glu827Gly; replaces glutamic acid 827 with glycine.
Molecular consequence: missense variant.
Genome position (GRCh38, 1-based): chr7:92,002,397, A>G. VCF-style: chr7-92002397-A-G. GRCh37 (hg19) VCF-style: chr7-91631711-A-G.
Other names: c.2480A>G, p.Glu827Gly (NM_147185.3); short protein forms E827G.
Identifiers: ClinVar variation 3849207 (VCV003849207.1).

ClinVar aggregate classification (germline): Uncertain significance (1 of 4 stars; one submission).

Conditions:
Cardiovascular phenotype. Identifiers: MedGen CN230736.

Submission:

Ambry Genetics
Classification: Uncertain significance for Cardiovascular phenotype. Last evaluated: 2024-12-17. Review status: criteria provided, single submitter. Criteria: Ambry Variant Classification Scheme 2023. Collection method: clinical testing. Allele origin: germline.
Comment: The p.E827G variant (also known as c.2480A>G), located in coding exon 8 of the AKAP9 gene, results from an A to G substitution at nucleotide position 2480. The glutamic acid at codon 827 is replaced by glycine, an amino acid with similar properties. This amino acid position is conserved. In addition, this alteration is predicted to be tolerated by in silico analysis. Based on the available evidence, the clinical significance of this variant remains unclear.